The following is an entry in ClinVar:

NM_004360.5(CDH1):c.1522T>A (p.Tyr508Asn)

Gene: CDH1 (cadherin 1; plus strand). Cytogenetic location: 16q22.1.
Variant type: single nucleotide variant.
Coding change: c.1522T>A on transcript NM_004360.5 (MANE Select); coding-DNA position 1522, T replaced by A.
Protein change: p.Tyr508Asn; replaces tyrosine 508 with asparagine.
Molecular consequence: missense variant. On other transcripts: 5 prime UTR variant (2).
Genome position (GRCh38, 1-based): chr16:68,815,716, T>A. VCF-style: chr16-68815716-T-A. GRCh37 (hg19) VCF-style: chr16-68849619-T-A.
Other names: c.1522T>A (LRG_301t1); c.1339T>A, p.Tyr447Asn (NM_001317184.2); c.-27T>A (NM_001317185.2); c.-298T>A (NM_001317186.2); short protein forms Y508N, Y447N.
Identifiers: ClinVar variation 463720 (VCV000463720.9), dbSNP rs1555516173, ClinGen allele CA396463396.
Genomic context (GRCh38, chr16:68,815,716, plus strand): 5'-CCTCCTGAAAAGAGAGTGGAAGTGTCCGAGGACTTTGGCGTGGGCCAGGAAATCACATCC[T>A]ACACTGCCCAGGAGCCAGACACATTTATGGAACAGAAAATAACGTAAGTGTGAGGATTTT-3'
Protein context (NP_004351.1, residues 498-518): DFGVGQEITS[Tyr508Asn]TAQEPDTFME

ClinVar aggregate classification (germline): Uncertain significance (1 of 4 stars; one submission).

Conditions:
Hereditary diffuse gastric adenocarcinoma (HDGC). Also called: DIFFUSE GASTRIC AND LOBULAR BREAST CANCER SYNDROME. Identifiers: Orphanet 26106, MedGen C1708349, MONDO:0007648, OMIM 137215.

Submission:

Labcorp Genetics (formerly Invitae), Labcorp
Classification: Uncertain significance for Hereditary diffuse gastric adenocarcinoma. Last evaluated: 2023-04-18. Review status: criteria provided, single submitter. Criteria: Invitae Variant Classification Sherloc (09022015). Collection method: clinical testing. Allele origin: germline.
Comment: In summary, the available evidence is currently insufficient to determine the role of this variant in disease. Therefore, it has been classified as a Variant of Uncertain Significance. This sequence change replaces tyrosine, which is neutral and polar, with asparagine, which is neutral and polar, at codon 508 of the CDH1 protein (p.Tyr508Asn). This variant is not present in population databases (gnomAD no frequency). This variant has not been reported in the literature in individuals affected with CDH1-related conditions. ClinVar contains an entry for this variant (Variation ID: 463720). An algorithm developed to predict the effect of missense changes on protein structure and function (PolyPhen-2) suggests that this variant is likely to be disruptive.